The following is an entry in ClinVar:

ClinVar aggregate classification (germline): Uncertain significance (1 of 4 stars; one submission).

Conditions:
MHC class I deficiency. Identifiers: Orphanet 34592, MedGen C6024714, MONDO:0011476.

Submission:

Labcorp Genetics (formerly Invitae), Labcorp
Classification: Uncertain significance for MHC class I deficiency 1. Last evaluated: 2022-06-18. Review status: criteria provided, single submitter. Criteria: Invitae Variant Classification Sherloc (09022015). Collection method: clinical testing. Allele origin: germline.
Comment: In summary, the available evidence is currently insufficient to determine the role of this variant in disease. Therefore, it has been classified as a Variant of Uncertain Significance. Algorithms developed to predict the effect of missense changes on protein structure and function output the following: SIFT: "Tolerated"; PolyPhen-2: "Not Available"; Align-GVGD: "Class C0". The arginine amino acid residue is found in multiple mammalian species, which suggests that this missense change does not adversely affect protein function. This variant has not been reported in the literature in individuals affected with TAP2-related conditions. This variant is not present in population databases (gnomAD no frequency). This sequence change replaces serine, which is neutral and polar, with arginine, which is basic and polar, at codon 393 of the TAP2 protein (p.Ser393Arg).

NM_001290043.2(TAP2):c.1179C>A (p.Ser393Arg)

Gene: TAP2 (transporter 2, ATP binding cassette subfamily B member; minus strand). Cytogenetic location: 6p21.32.
Variant type: single nucleotide variant.
Coding change: c.1179C>A on transcript NM_001290043.2 (MANE Select); coding-DNA position 1179, C replaced by A.
Protein change: p.Ser393Arg; replaces serine 393 with arginine.
Molecular consequence: missense variant.
Genome position (GRCh38, 1-based): chr6:32,832,426, G>T on the plus strand (C>A on the coding strand, the complement: TAP2 is on the minus strand). VCF-style: chr6-32832426-G-T. GRCh37 (hg19) VCF-style: chr6-32800203-G-T.
Other names: c.1179C>A, p.Ser393Arg (NM_000544.3, NM_018833.3); short protein forms S393R.
Identifiers: ClinVar variation 1962070 (VCV001962070.5), dbSNP rs1769141226, ClinGen allele CA363582899.